The following is an entry in ClinVar:

NM_001868.4(CPA1):c.184C>G (p.Pro62Ala)

Gene: CPA1 (carboxypeptidase A1; plus strand). Cytogenetic location: 7q32.2.
Variant type: single nucleotide variant.
Coding change: c.184C>G on transcript NM_001868.4 (MANE Select); coding-DNA position 184, C replaced by G.
Protein change: p.Pro62Ala; replaces proline 62 with alanine.
Molecular consequence: missense variant.
Genome position (GRCh38, 1-based): chr7:130,381,666, C>G. VCF-style: chr7-130381666-C-G. GRCh37 (hg19) VCF-style: chr7-130021507-C-G.
Other names: short protein forms P62A.
Identifiers: ClinVar variation 3269086 (VCV003269086.1).

ClinVar aggregate classification (germline): Uncertain significance (1 of 4 stars; one submission).

Conditions:
Hereditary pancreatitis (PCTT). Also called: Hereditary chronic pancreatitis; PRSS1-Related Hereditary Pancreatitis. Identifiers: Orphanet 676, MedGen C0238339, MONDO:0008185, OMIM 167800.

gnomAD v4.1: 1 of 1,614,040 alleles (0.000062%); highest among the groups gnomAD compares: Non-Finnish European, 0.000085%; no homozygotes.

Submission:

Ambry Genetics
Classification: Uncertain significance for Hereditary pancreatitis. Last evaluated: 2024-04-26. Review status: criteria provided, single submitter. Criteria: Ambry Variant Classification Scheme 2023. Collection method: clinical testing. Allele origin: germline.
Comment: The p.P62A variant (also known as c.184C>G), located in coding exon 3 of the CPA1 gene, results from a C to G substitution at nucleotide position 184. The proline at codon 62 is replaced by alanine, an amino acid with highly similar properties. This amino acid position is conserved. In addition, this alteration is predicted to be tolerated by in silico analysis. Based on the available evidence, the clinical significance of this variant remains unclear.